The following is an entry in ClinVar:

NM_001267550.2(TTN):c.53246G>C (p.Ser17749Thr)

Genes: TTN-AS1 (TTN antisense RNA 1; plus strand), TTN (titin; minus strand), LOC126806425 (BRD4-independent group 4 enhancer GRCh37_chr2:179471933-179473132; plus strand). Cytogenetic location: 2q31.2.
Variant type: single nucleotide variant.
Coding change: c.53246G>C on transcript NM_001267550.2 (MANE Select); coding-DNA position 53246, G replaced by C.
Protein change: p.Ser17749Thr; replaces serine 17749 with threonine.
Molecular consequence: missense variant.
Genome position (GRCh38, 1-based): chr2:178,607,442, C>G on the plus strand (G>C on the coding strand, the complement: TTN is on the minus strand). VCF-style: chr2-178607442-C-G. GRCh37 (hg19) VCF-style: chr2-179472169-C-G.
Other names: c.48323G>C, p.Ser16108Thr (NM_001256850.1); c.26051G>C, p.Ser8684Thr (NM_003319.4); c.45542G>C, p.Ser15181Thr (NM_133378.4); c.26426G>C, p.Ser8809Thr (NM_133432.3); c.26627G>C, p.Ser8876Thr (NM_133437.4); short protein forms S17749T, S15181T, S16108T, S8809T, S8876T, S8684T.
Identifiers: ClinVar variation 535386 (VCV000535386.5), dbSNP rs1553686153, ClinGen allele CA349565767.

ClinVar aggregate classification (germline): Uncertain significance. Review status: criteria provided, multiple submitters, no conflicts (2 of 4 stars). 2 submissions from 2 submitters: Uncertain significance (2). Last evaluated 2020-09-18.

Conditions:
Autosomal recessive limb-girdle muscular dystrophy type 2J (LGMDR10). Also called: Limb-girdle muscular dystrophy, type 2J; MUSCULAR DYSTROPHY, LIMB-GIRDLE, AUTOSOMAL RECESSIVE 10. Identifiers: Orphanet 140922, MedGen C1837342, MONDO:0012127, OMIM 608807.
Dilated cardiomyopathy 1G (CMD1G). Identifiers: Orphanet 154, MedGen C1858763, MONDO:0011400, OMIM 604145.
Cardiovascular phenotype. Identifiers: MedGen CN230736.

Allele frequency attached by ClinVar (database versions not stated): TOPMed below 0.00001; gnomAD 0.00001.
gnomAD v4.1: 7 of 1,613,070 alleles (0.00043%); highest among the groups gnomAD compares: Non-Finnish European, 0.00059%; no homozygotes.

Submissions (2):

Ambry Genetics
Classification: Uncertain significance for Cardiovascular phenotype. Last evaluated: 2020-09-18. Review status: criteria provided, single submitter. Criteria: Ambry Variant Classification Scheme 2023. Collection method: clinical testing. Allele origin: germline.
Comment: The p.S8684T variant (also known as c.26051G>C), located in coding exon 104 of the TTN gene, results from a G to C substitution at nucleotide position 26051. The serine at codon 8684 is replaced by threonine, an amino acid with similar properties. This amino acid position is not well conserved in available vertebrate species. In addition, this alteration is predicted to be tolerated by in silico analysis. Since supporting evidence is limited at this time, the clinical significance of this alteration remains unclear.

Labcorp Genetics (formerly Invitae), Labcorp
Classification: Uncertain significance for Dilated cardiomyopathy 1G; Autosomal recessive limb-girdle muscular dystrophy type 2J. Last evaluated: 2017-12-27. Review status: criteria provided, single submitter. Criteria: Invitae Variant Classification Sherloc (09022015). Collection method: clinical testing. Allele origin: germline.